The following is an entry in ClinVar:

ClinVar aggregate classification (germline): Uncertain significance (1 of 4 stars; one submission).

Submission:

Labcorp Genetics (formerly Invitae), Labcorp
Classification: Uncertain significance. Last evaluated: 2022-08-07. Review status: criteria provided, single submitter. Criteria: Invitae Variant Classification Sherloc (09022015). Collection method: clinical testing. Allele origin: germline.
Comment: This variant is not present in population databases (gnomAD no frequency). This sequence change replaces lysine, which is basic and polar, with glutamic acid, which is acidic and polar, at codon 1293 of the ADGRA3 protein (p.Lys1293Glu). This variant has not been reported in the literature in individuals affected with ADGRA3-related conditions. In summary, the available evidence is currently insufficient to determine the role of this variant in disease. Therefore, it has been classified as a Variant of Uncertain Significance. Algorithms developed to predict the effect of missense changes on protein structure and function (SIFT, PolyPhen-2, Align-GVGD) all suggest that this variant is likely to be tolerated.

NM_145290.4(ADGRA3):c.3877A>G (p.Lys1293Glu)

Gene: ADGRA3 (adhesion G protein-coupled receptor A3; minus strand). Cytogenetic location: 4p15.2.
Variant type: single nucleotide variant.
Coding change: c.3877A>G on transcript NM_145290.4 (MANE Select); coding-DNA position 3877, A replaced by G.
Protein change: p.Lys1293Glu; replaces lysine 1293 with glutamic acid.
Molecular consequence: missense variant.
Genome position (GRCh38, 1-based): chr4:22,387,794, T>C on the plus strand (A>G on the coding strand, the complement: ADGRA3 is on the minus strand). VCF-style: chr4-22387794-T-C. GRCh37 (hg19) VCF-style: chr4-22389417-T-C.
Other names: short protein forms K1293E.
Identifiers: ClinVar variation 1715554 (VCV001715554.5), dbSNP rs2474685316, ClinGen allele CA356471491.